The following is an entry in ClinVar:

NM_000038.6(APC):c.8461G>A (p.Asp2821Asn)

Gene: APC (APC regulator of Wnt signaling pathway; plus strand). Cytogenetic location: 5q22.2.
Variant type: single nucleotide variant.
Coding change: c.8461G>A on transcript NM_000038.6 (MANE Select); coding-DNA position 8461, G replaced by A.
Protein change: p.Asp2821Asn; replaces aspartic acid 2821 with asparagine.
Molecular consequence: missense variant.
Genome position (GRCh38, 1-based): chr5:112,844,055, G>A. VCF-style: chr5-112844055-G-A. GRCh37 (hg19) VCF-style: chr5-112179752-G-A.
Other names: c.8461G>A, p.Asp2821Asn (NM_001127510.3, NM_001354895.2); c.8407G>A, p.Asp2803Asn (NM_001127511.3); c.8515G>A, p.Asp2839Asn (NM_001354896.2); c.8491G>A, p.Asp2831Asn (NM_001354897.2); c.8386G>A, p.Asp2796Asn (NM_001354898.2); c.8377G>A, p.Asp2793Asn (NM_001354899.2); c.8338G>A, p.Asp2780Asn (NM_001354900.2); c.8284G>A, p.Asp2762Asn (NM_001354901.2); and 5 more; short protein forms D2803N, D2821N, D2538N, D2720N, D2780N, D2796N, D2730N, D2695N.
Identifiers: ClinVar variation 559959 (VCV000559959.9), dbSNP rs1554089164, ClinGen allele CA16039684.

ClinVar aggregate classification (germline): Uncertain significance. Review status: criteria provided, multiple submitters, no conflicts (2 of 4 stars). 4 submissions from 4 submitters: Uncertain significance (3). 1 of the submissions does not count toward it. Last evaluated 2026-04-27.

Conditions:
Familial adenomatous polyposis 1 (FAP1). Also called: FAMILIAL ADENOMATOUS POLYPOSIS 1, ATTENUATED; POLYPOSIS, ADENOMATOUS INTESTINAL. Identifiers: MedGen C2713442, MONDO:0021056, OMIM 175100. Disease mechanism: loss of function.
Classic or attenuated familial adenomatous polyposis. Identifiers: MedGen CN372698, MONDO:0021057.
Intrahepatic cholangiocarcinoma. Identifiers: MedGen C0345905, MONDO:0003210.
Hereditary cancer-predisposing syndrome. Also called: Tumor predisposition; Hereditary Cancer Syndrome; Neoplastic Syndromes, Hereditary; Hereditary neoplastic syndrome. Identifiers: Orphanet 140162, MedGen C0027672, MeSH D009386, MONDO:0015356.

Submissions (4):

Ambry Genetics
Classification: Uncertain significance for Hereditary cancer-predisposing syndrome. Last evaluated: 2026-04-27. Review status: criteria provided, single submitter. Criteria: Ambry Variant Classification Scheme 2023. Collection method: clinical testing. Allele origin: germline.
Comment: The p.D2821N variant (also known as c.8461G>A), located in coding exon 15 of the APC gene, results from a G to A substitution at nucleotide position 8461. The aspartic acid at codon 2821 is replaced by asparagine, an amino acid with highly similar properties. This amino acid position is not well conserved in available vertebrate species. In addition, in silico predictors for this gene do not accurately predict pathogenicity. Missense variants in APC are not a common cause of disease (Spier I et al. Genet Med. 2024 Feb;26(2):100992). Based on the available evidence, the clinical significance of this variant remains unclear.

Labcorp Genetics (formerly Invitae), Labcorp
Classification: Uncertain significance for Familial adenomatous polyposis 1. Last evaluated: 2024-12-14. Review status: criteria provided, single submitter. Criteria: Invitae Variant Classification Sherloc (09022015). Collection method: clinical testing. Allele origin: germline.
Comment: This sequence change replaces aspartic acid, which is acidic and polar, with asparagine, which is neutral and polar, at codon 2821 of the APC protein (p.Asp2821Asn). This variant is not present in population databases (gnomAD no frequency). This variant has not been reported in the literature in individuals affected with APC-related conditions. ClinVar contains an entry for this variant (Variation ID: 559959). Invitae Evidence Modeling of protein sequence and biophysical properties (such as structural, functional, and spatial information, amino acid conservation, physicochemical variation, residue mobility, and thermodynamic stability) indicates that this missense variant is not expected to disrupt APC protein function with a negative predictive value of 95%. In summary, the available evidence is currently insufficient to determine the role of this variant in disease. Therefore, it has been classified as a Variant of Uncertain Significance.

All of Us Research Program, National Institutes of Health
Classification: Uncertain significance for Classic or attenuated familial adenomatous polyposis. Last evaluated: 2023-05-16. Review status: criteria provided, single submitter. Criteria: ACMG Guidelines, 2015. Collection method: clinical testing. Allele origin: germline. Inheritance: Autosomal dominant inheritance. Observed: 1 variant allele, 1 heterozygote.
Comment: This missense variant replaces aspartic acid with asparagine at codon 2821 of the APC protein. Computational prediction suggests that this variant may not impact protein structure and function (internally defined REVEL score threshold <= 0.5, PMID: 27666373). To our knowledge, functional studies have not been reported for this variant. This variant has not been reported in individuals affected with APC-related disorders in the literature. This variant has not been identified in the general population by the Genome Aggregation Database (gnomAD). The available evidence is insufficient to determine the role of this variant in disease conclusively. Therefore, this variant is classified as a Variant of Uncertain Significance.

This study involves interpretation of variants in research participants for the purpose of population health screening. Participant phenotype was not available at the time of variant classification. Additional details can be found in publication PMID: 35346344, PMCID: PMC8962531

3DMed Clinical Laboratory Inc
Classification: Uncertain significance for Intrahepatic Cholangiocarcinoma. Last evaluated: 2017-11-22. Review status: no assertion criteria provided. Criteria: ACMG Guidelines, 2015. Collection method: clinical testing. Allele origin: germline. Affected: yes. Not counted in ClinVar's aggregate classification.